The following is an entry in ClinVar:

NM_000278.5(PAX2):c.210C>T (p.Gly70=)

Gene: PAX2 (paired box 2; plus strand). Cytogenetic location: 10q24.31.
Variant type: single nucleotide variant.
Coding change: c.210C>T on transcript NM_000278.5 (MANE Select); coding-DNA position 210, C replaced by T.
Protein change: p.Gly70=; no amino-acid change (glycine 70 retained).
Molecular consequence: synonymous variant.
Genome position (GRCh38, 1-based): chr10:100,749,912, C>T. VCF-style: chr10-100749912-C-T. GRCh37 (hg19) VCF-style: chr10-102509669-C-T.
Other names: c.303C>T, p.Gly101= (NM_001304569.2); c.210C>T, p.Gly70= (NM_003987.5, NM_003988.5, NM_003989.5 and 1 more transcripts).
Identifiers: ClinVar variation 3383159 (VCV003383159.2).
Genomic context (GRCh38, chr10:100,749,912, plus strand): 5'-GCCCTGTGACATCTCCCGGCAGCTGCGGGTCAGCCACGGCTGTGTCAGCAAAATCCTGGG[C>T]AGGTGAGGGCTTCGCAGCTGTCCCGGGAGACGCCTTGCCTACTTCCCCGGCCAGCCCTGG-3'
Protein context (NP_000269.3, residues 60-80): VSHGCVSKIL[Gly70=]RYYETGSIKP

ClinVar aggregate classification (germline): Uncertain significance (1 of 4 stars; one submission).

Conditions:
Renal coloboma syndrome (PAPRS). Also called: OPTIC COLOBOMA, VESICOURETERAL REFLUX, AND RENAL ANOMALIES; OPTIC NERVE COLOBOMA WITH RENAL DISEASE; CONGENITAL ANOMALIES OF THE KIDNEY AND URINARY TRACT WITH OR WITHOUT OCULAR ABNORMALITIES; CAKUT WITH OR WITHOUT OCULAR ABNORMALITIES; PAPILLORENAL SYNDROME WITH MILD OCULAR ABNORMALITIES; RENAL-COLOBOMA SYNDROME WITH MACULAR ABNORMALITIES. Identifiers: Orphanet 1475, MedGen C1852759, MONDO:0007352, OMIM 120330.

Submission:

Juno Genomics, Hangzhou Juno Genomics, Inc
Classification: Uncertain significance for Renal coloboma syndrome. Review status: criteria provided, single submitter. Criteria: ACMG Guidelines, 2015. Collection method: clinical testing. Allele origin: germline. Affected: yes.
Comment: Absent from controls (or at extremely low frequency if recessive) in Genome Aggregation Database, Exome Sequencing Project, 1000 Genomes Project, or Exome Aggregation Consortium.;Multiple lines of computational evidence support a deleterious effect on the gene or gene product (conservation, evolutionary, splicing impact, etc).;Assumed de novo, but without confirmation of paternity and maternity.